The following is an entry in ClinVar:

NM_001254.4(CDC6):c.382C>T (p.Gln128Ter)

Gene: CDC6 (cell division cycle 6; plus strand). Cytogenetic location: 17q21.2.
Variant type: single nucleotide variant.
Coding change: c.382C>T on transcript NM_001254.4 (MANE Select); coding-DNA position 382, C replaced by T.
Protein change: p.Gln128Ter; replaces glutamine 128 with a stop codon.
Molecular consequence: nonsense.
Genome position (GRCh38, 1-based): chr17:40,291,261, C>T. VCF-style: chr17-40291261-C-T. GRCh37 (hg19) VCF-style: chr17-38447513-C-T.
Other names: short protein forms Q128*.
Identifiers: ClinVar variation 3693111 (VCV003693111.2).

ClinVar aggregate classification (germline): Uncertain significance (1 of 4 stars; one submission).

Submission:

Labcorp Genetics (formerly Invitae), Labcorp
Classification: Uncertain significance. Last evaluated: 2024-04-15. Review status: criteria provided, single submitter. Criteria: Invitae Variant Classification Sherloc (09022015). Collection method: clinical testing. Allele origin: germline.
Comment: This sequence change creates a premature translational stop signal (p.Gln128*) in the CDC6 gene. It is expected to result in an absent or disrupted protein product. However, the current clinical and genetic evidence is not sufficient to establish whether loss-of-function variants in CDC6 cause disease. This variant is not present in population databases (gnomAD no frequency). This variant has not been reported in the literature in individuals affected with CDC6-related conditions. Algorithms developed to predict the effect of sequence changes on RNA splicing suggest that this variant may disrupt the consensus splice site. In summary, the available evidence is currently insufficient to determine the role of this variant in disease. Therefore, it has been classified as a Variant of Uncertain Significance.